The following is an entry in ClinVar:

ClinVar aggregate classification (germline): Uncertain significance (1 of 4 stars; one submission).

Allele frequency attached by ClinVar (database versions not stated): gnomAD exomes below 0.00001; TOPMed below 0.00001; gnomAD 0.00001; ExAC 0.00002; ESP Exome Variant Server 0.00008.
gnomAD v4.1: 7 of 1,613,004 alleles (0.00043%); highest among the groups gnomAD compares: Non-Finnish European, 0.00059%; no homozygotes.

Submission:

Labcorp Genetics (formerly Invitae), Labcorp
Classification: Uncertain significance. Last evaluated: 2022-05-20. Review status: criteria provided, single submitter. Criteria: Invitae Variant Classification Sherloc (09022015). Collection method: clinical testing. Allele origin: germline.
Comment: In summary, the available evidence is currently insufficient to determine the role of this variant in disease. Therefore, it has been classified as a Variant of Uncertain Significance. Variants that disrupt the consensus splice site are a relatively common cause of aberrant splicing (PMID: 17576681, 9536098). Algorithms developed to predict the effect of sequence changes on RNA splicing suggest that this variant is not likely to affect RNA splicing. This variant has not been reported in the literature in individuals affected with AP2M1-related conditions. This variant is present in population databases (rs369667214, gnomAD 0.003%). This sequence change falls in intron 9 of the AP2M1 gene. It does not directly change the encoded amino acid sequence of the AP2M1 protein. It affects a nucleotide within the consensus splice site.

Literature cited by the submitters: PubMed 17576681; PubMed 9536098.

NM_004068.4(AP2M1):c.963+6G>A

Gene: AP2M1 (adaptor related protein complex 2 subunit mu 1; plus strand). Cytogenetic location: 3q27.1.
Variant type: single nucleotide variant.
Coding change: c.963+6G>A on transcript NM_004068.4 (MANE Select); 6 bases into the intron after coding-DNA position 963, G replaced by A.
Molecular consequence: intron variant.
Genome position (GRCh38, 1-based): chr3:184,182,053, G>A. VCF-style: chr3-184182053-G-A. GRCh37 (hg19) VCF-style: chr3-183899841-G-A.
Other names: c.1038+6G>A (NM_001311198.2); c.957+6G>A (NM_001025205.2).
Identifiers: ClinVar variation 1996265 (VCV001996265.4), dbSNP rs369667214, ClinGen allele CA2727835.